The following is an entry in ClinVar:

ClinVar aggregate classification (germline): Uncertain significance. Review status: criteria provided, multiple submitters, no conflicts (2 of 4 stars). 2 submissions from 2 submitters: Uncertain significance (2). Last evaluated 2026-02-16.

Conditions:
Hereditary cancer-predisposing syndrome. Also called: Hereditary Cancer Syndrome; Neoplastic Syndromes, Hereditary; Tumor predisposition; Hereditary neoplastic syndrome. Identifiers: Orphanet 140162, MedGen C0027672, MeSH D009386, MONDO:0015356.
Hereditary breast ovarian cancer syndrome. Also called: Breast and ovarian cancer; Hereditary breast and ovarian cancer; Hereditary breast and ovarian cancer syndrome (HBOC); BRCA1- and BRCA2-Associated Hereditary Breast and Ovarian Cancer; Hereditary breast and ovarian cancer syndrome; Hereditary breast and/or ovarian cancer syndrome. Identifiers: Orphanet 145, MedGen C0677776, MeSH D061325, MONDO:0003582. Disease mechanism: loss of function.

Submissions (2):

Ambry Genetics
Classification: Uncertain significance for Hereditary cancer-predisposing syndrome. Last evaluated: 2026-02-16. Review status: criteria provided, single submitter. Criteria: Ambry Variant Classification Scheme 2023. Collection method: clinical testing. Allele origin: germline.
Comment: The p.V144A variant (also known as c.431T>C), located in coding exon 4 of the BRCA2 gene, results from a T to C substitution at nucleotide position 431. The valine at codon 144 is replaced by alanine, an amino acid with similar properties. This amino acid position is conserved. In addition, this alteration is predicted to be tolerated by in silico analysis. Based on the available evidence, the clinical significance of this variant remains unclear.

Labcorp Genetics (formerly Invitae), Labcorp
Classification: Uncertain significance for Hereditary breast ovarian cancer syndrome. Last evaluated: 2020-08-27. Review status: criteria provided, single submitter. Criteria: Invitae Variant Classification Sherloc (09022015). Collection method: clinical testing. Allele origin: germline.
Comment: This sequence change replaces valine with alanine at codon 144 of the BRCA2 protein (p.Val144Ala). The valine residue is weakly conserved and there is a small physicochemical difference between valine and alanine. This variant is not present in population databases (ExAC no frequency). This variant has not been reported in the literature in individuals with BRCA2-related conditions. Advanced modeling of protein sequence and biophysical properties (such as structural, functional, and spatial information, amino acid conservation, physicochemical variation, residue mobility, and thermodynamic stability) performed at Invitae indicates that this missense variant is not expected to disrupt BRCA2 protein function. In summary, the available evidence is currently insufficient to determine the role of this variant in disease. Therefore, it has been classified as a Variant of Uncertain Significance.

NM_000059.4(BRCA2):c.431T>C (p.Val144Ala)

Gene: BRCA2 (BRCA2 DNA repair associated; plus strand). Cytogenetic location: 13q13.1.
Variant type: single nucleotide variant.
Coding change: c.431T>C on transcript NM_000059.4 (MANE Select); coding-DNA position 431, T replaced by C.
Protein change: p.Val144Ala; replaces valine 144 with alanine.
Molecular consequence: missense variant.
Genome position (GRCh38, 1-based): chr13:32,326,106, T>C. VCF-style: chr13-32326106-T-C. GRCh37 (hg19) VCF-style: chr13-32900243-T-C.
Other names: c.431T>C (NM_000059.3); short protein forms V144A.
Identifiers: ClinVar variation 1047323 (VCV001047323.10), dbSNP rs2072343369, ClinGen allele CA387756993.